The following is an entry in ClinVar:

NM_001278064.2(GRM1):c.1723C>G (p.Leu575Val)

Gene: GRM1 (glutamate metabotropic receptor 1; plus strand). Cytogenetic location: 6q24.3.
Variant type: single nucleotide variant.
Coding change: c.1723C>G on transcript NM_001278064.2 (MANE Select); coding-DNA position 1723, C replaced by G.
Protein change: p.Leu575Val; replaces leucine 575 with valine.
Molecular consequence: missense variant.
Genome position (GRCh38, 1-based): chr6:146,387,010, C>G. VCF-style: chr6-146387010-C-G. GRCh37 (hg19) VCF-style: chr6-146708146-C-G.
Other names: c.1723C>G, p.Leu575Val (NM_001278065.2, NM_001278066.1, NM_001278067.1); short protein forms L575V.
Identifiers: ClinVar variation 1256075 (VCV001256075.4), dbSNP rs1193170688, ClinGen allele CA366192034.

ClinVar aggregate classification (germline): Uncertain significance. Review status: criteria provided, multiple submitters, no conflicts (2 of 4 stars). 2 submissions from 2 submitters: Uncertain significance (2). Last evaluated 2025-12-19.

gnomAD v4.1: 13 of 1,612,992 alleles (0.00081%); highest among the groups gnomAD compares: Non-Finnish European, 0.0011%; no homozygotes.

Submissions (2):

Labcorp Genetics (formerly Invitae), Labcorp
Classification: Uncertain significance. Last evaluated: 2025-12-19. Review status: criteria provided, single submitter. Criteria: Invitae Variant Classification Sherloc (09022015). Collection method: clinical testing. Allele origin: germline.
Comment: This sequence change replaces leucine, which is neutral and non-polar, with valine, which is neutral and non-polar, at codon 575 of the GRM1 protein (p.Leu575Val). This variant is not present in population databases (gnomAD no frequency). This variant has not been reported in the literature in individuals affected with GRM1-related conditions. ClinVar contains an entry for this variant (Variation ID: 1256075). An algorithm developed to predict the effect of missense changes on protein structure and function (PolyPhen-2) suggests that this variant is likely to be tolerated. In summary, the available evidence is currently insufficient to determine the role of this variant in disease. Therefore, it has been classified as a Variant of Uncertain Significance.

Athena Diagnostics
Classification: Uncertain significance. Last evaluated: 2020-11-12. Review status: criteria provided, single submitter. Criteria: Athena Diagnostics criteria. Collection method: clinical testing. Allele origin: unknown.

Literature cited by the submitters: PubMed 21559497 (cited by Athena Diagnostics); PubMed 25137254 (cited by Athena Diagnostics).